The following is an entry in ClinVar:

ClinVar aggregate classification (germline): Likely benign (1 of 4 stars; one submission).

Submission:

CeGaT Center for Human Genetics Tuebingen
Classification: Likely benign. Last evaluated: 2025-04-01. Review status: criteria provided, single submitter. Criteria: CeGaT Center For Human Genetics Tuebingen Variant Classification Criteria Version 2. Collection method: clinical testing. Allele origin: germline. Affected: yes. Observed: 1 variant allele.
Comment: RREB1: BP4, BP7

NM_001003699.4(RREB1):c.18C>A (p.Pro6=)

Gene: RREB1 (ras responsive element binding protein 1; plus strand). Cytogenetic location: 6p24.3.
Variant type: single nucleotide variant.
Coding change: c.18C>A on transcript NM_001003699.4 (MANE Select); coding-DNA position 18, C replaced by A.
Protein change: p.Pro6=; no amino-acid change (proline 6 retained).
Molecular consequence: synonymous variant.
Genome position (GRCh38, 1-based): chr6:7,181,929, C>A. VCF-style: chr6-7181929-C-A. GRCh37 (hg19) VCF-style: chr6-7182162-C-A.
Other names: c.18C>A, p.Pro6= (NM_001003698.4, NM_001003700.2, NM_001168344.2).
Identifiers: ClinVar variation 3778392 (VCV003778392.7).